The following is an entry in ClinVar:

ClinVar aggregate classification (germline): Pathogenic (1 of 4 stars; one submission).

Conditions:
Hereditary spastic paraplegia 4. Also called: Familial spastic paraplegia autosomal dominant 2; Spastic paraplegia 4, autosomal dominant; Spastic Paraplegia 4. Identifiers: Orphanet 100985, MedGen C1866855, MONDO:0008438, OMIM 182601.

Submission:

Labcorp Genetics (formerly Invitae), Labcorp
Classification: Pathogenic for Hereditary spastic paraplegia 4. Last evaluated: 2019-10-28. Review status: criteria provided, single submitter. Criteria: Invitae Variant Classification Sherloc (09022015). Collection method: clinical testing. Allele origin: germline.
Comment: For these reasons, this variant has been classified as Pathogenic. Loss-of-function variants in SPAST are known to be pathogenic (PMID: 20932283). This variant has not been reported in the literature in individuals with SPAST-related disease. This variant is not present in population databases (ExAC no frequency). This sequence change creates a premature translational stop signal (p.Glu464Aspfs*3) in the SPAST gene. It is expected to result in an absent or disrupted protein product.

Literature cited by the submitters: PubMed 20932283.

NM_014946.4(SPAST):c.1392del (p.Glu464fs)

Gene: SPAST (spastin; plus strand). Cytogenetic location: 2p22.3.
Variant type: Deletion.
Coding change: c.1392del on transcript NM_014946.4 (MANE Select); coding-DNA position 1392, one base deleted (A; older notation c.1392delA).
Protein change: p.Glu464fs; shifts the reading frame from glutamic acid 464.
Molecular consequence: frameshift variant.
Genome position (GRCh38, 1-based): chr2:32,136,947, A deleted; the last of 2 consecutive A bases (chr2:32,136,946-32,136,947); deleting either gives the same sequence. VCF-style (leftmost placement, unchanged base first): chr2-32136945-GA-G. GRCh37 (hg19) VCF-style: chr2-32362014-GA-G.
Other names: c.1392delA (NM_014946.3); c.1389del, p.Glu463fs (NM_001363823.2); c.1293del, p.Glu431fs (NM_001363875.2); c.1296del, p.Glu432fs (NM_001377959.1, NM_199436.2); short protein forms E432fs, E431fs, E464fs, E463fs.
Identifiers: ClinVar variation 570164 (VCV000570164.9), dbSNP rs1558336906, ClinGen allele CA891843420.